The following is an entry in ClinVar:

NM_017534.6(MYH2):c.2671A>G (p.Asn891Asp)

Genes: MYHAS (myosin heavy chain gene cluster antisense RNA; plus strand), MYH2 (myosin heavy chain 2; minus strand). Cytogenetic location: 17p13.1.
Variant type: single nucleotide variant.
Coding change: c.2671A>G on transcript NM_017534.6 (MANE Select); coding-DNA position 2671, A replaced by G.
Protein change: p.Asn891Asp; replaces asparagine 891 with aspartic acid.
Molecular consequence: missense variant.
Genome position (GRCh38, 1-based): chr17:10,531,659, T>C on the plus strand (A>G on the coding strand, the complement: MYH2 is on the minus strand). VCF-style: chr17-10531659-T-C. GRCh37 (hg19) VCF-style: chr17-10434976-T-C.
Other names: c.2671A>G, p.Asn891Asp (NM_001100112.2); short protein forms N891D.
Identifiers: ClinVar variation 1402691 (VCV001402691.8), dbSNP rs763476894, ClinGen allele CA8391086.

ClinVar aggregate classification (germline): Uncertain significance (1 of 4 stars; one submission).

Conditions:
Myopathy, proximal, and ophthalmoplegia (CMYO6). Also called: CONGENITAL MYOPATHY 6 WITH OPHTHALMOPLEGIA; MYOPATHY WITH CONGENITAL JOINT CONTRACTURES, OPHTHALMOPLEGIA, AND RIMMED VACUOLES; INCLUSION BODY MYOPATHY 3, AUTOSOMAL DOMINANT. Identifiers: Orphanet 363677, Orphanet 79091, MedGen C1854106, MONDO:0011577, OMIM 605637.

Allele frequency attached by ClinVar (database versions not stated): gnomAD exomes below 0.00001 and 0.00001; TOPMed below 0.00001; ExAC 0.00001; gnomAD 0.00001.

Submission:

Labcorp Genetics (formerly Invitae), Labcorp
Classification: Uncertain significance for Myopathy, proximal, and ophthalmoplegia. Last evaluated: 2023-11-07. Review status: criteria provided, single submitter. Criteria: Invitae Variant Classification Sherloc (09022015). Collection method: clinical testing. Allele origin: germline.
Comment: This sequence change replaces asparagine, which is neutral and polar, with aspartic acid, which is acidic and polar, at codon 891 of the MYH2 protein (p.Asn891Asp). This variant is present in population databases (rs763476894, gnomAD 0.002%). This variant has not been reported in the literature in individuals affected with MYH2-related conditions. ClinVar contains an entry for this variant (Variation ID: 1402691). Advanced modeling of protein sequence and biophysical properties (such as structural, functional, and spatial information, amino acid conservation, physicochemical variation, residue mobility, and thermodynamic stability) performed at Invitae indicates that this missense variant is not expected to disrupt MYH2 protein function with a negative predictive value of 80%. In summary, the available evidence is currently insufficient to determine the role of this variant in disease. Therefore, it has been classified as a Variant of Uncertain Significance.